The following is an entry in ClinVar:

NM_000057.4(BLM):c.4231A>T (p.Lys1411Ter)

Gene: BLM (BLM RecQ like helicase; plus strand). Cytogenetic location: 15q26.1.
Variant type: single nucleotide variant.
Coding change: c.4231A>T on transcript NM_000057.4 (MANE Select); coding-DNA position 4231, A replaced by T.
Protein change: p.Lys1411Ter; replaces lysine 1411 with a stop codon.
Molecular consequence: nonsense.
Genome position (GRCh38, 1-based): chr15:90,815,256, A>T. VCF-style: chr15-90815256-A-T. GRCh37 (hg19) VCF-style: chr15-91358486-A-T.
Other names: c.4231A>T, p.Lys1411Ter (NM_001287246.2); c.3838A>T, p.Lys1280Ter (NM_001287247.2); c.3106A>T, p.Lys1036Ter (NM_001287248.2); short protein forms K1036*, K1280*, K1411*.
Identifiers: ClinVar variation 1477699 (VCV001477699.10), dbSNP rs2151202445, ClinGen allele CA393853233.

ClinVar aggregate classification (germline): Uncertain significance. Review status: criteria provided, multiple submitters, no conflicts (2 of 4 stars). 2 submissions from 2 submitters: Uncertain significance (2). Last evaluated 2022-01-03.

Conditions:
Hereditary cancer-predisposing syndrome. Also called: Tumor predisposition; Hereditary Cancer Syndrome; Hereditary neoplastic syndrome; Neoplastic Syndromes, Hereditary. Identifiers: Orphanet 140162, MedGen C0027672, MeSH D009386, MONDO:0015356.
Bloom syndrome (BLM). Also called: Bloom-Torre-Machacek syndrome. Identifiers: Orphanet 125, MedGen C0005859, MONDO:0008876, OMIM 210900.

Submissions (2):

Ambry Genetics
Classification: Uncertain significance for Hereditary cancer-predisposing syndrome. Last evaluated: 2022-01-03. Review status: criteria provided, single submitter. Criteria: Ambry Variant Classification Scheme 2023. Collection method: clinical testing. Allele origin: germline.
Comment: The p.K1411* variant (also known as c.4231A>T), located in coding exon 21 of the BLM gene, results from an A to T substitution at nucleotide position 4231. This changes the amino acid from a lysine to a stop codon within coding exon 21. This alteration occurs at the 3' terminus of theBLM gene, is not expected to trigger nonsense-mediated mRNAdecay, and only impacts the last 7 amino acids of the protein. The exact functional effect of this alteration is unknown. Since supporting evidence is limited at this time, the clinical significance of this alteration remains unclear.

Labcorp Genetics (formerly Invitae), Labcorp
Classification: Uncertain significance for Bloom syndrome. Last evaluated: 2021-02-17. Review status: criteria provided, single submitter. Criteria: Invitae Variant Classification Sherloc (09022015). Collection method: clinical testing. Allele origin: germline.
Comment: In summary, the available evidence is currently insufficient to determine the role of this variant in disease. Therefore, it has been classified as a Variant of Uncertain Significance. Experimental studies and prediction algorithms are not available or were not evaluated, and the functional significance of this variant is currently unknown. This variant has not been reported in the literature in individuals with BLM-related conditions. This variant is not present in population databases (ExAC no frequency). This sequence change creates a premature translational stop signal (p.Lys1411*) in the BLM gene. While this is not anticipated to result in nonsense mediated decay, it is expected to disrupt the last 7 amino acid(s) of the BLM protein.